The following is an entry in ClinVar:

ClinVar aggregate classification (germline): Uncertain significance (1 of 4 stars; one submission).

Conditions:
Inborn genetic diseases. Identifiers: MedGen C0950123, MeSH D030342.

gnomAD v4.1: 3 of 1,614,176 alleles (0.00019%); highest among the groups gnomAD compares: South Asian, 0.0033%; no homozygotes.

Submission:

Ambry Genetics
Classification: Uncertain significance for Inborn genetic diseases. Last evaluated: 2024-11-28. Review status: criteria provided, single submitter. Criteria: Ambry Variant Classification Scheme 2023. Collection method: clinical testing. Allele origin: germline.
Comment: The p.G1013E variant (also known as c.3038G>A), located in coding exon 31 of the FANCA gene, results from a G to A substitution at nucleotide position 3038. The glycine at codon 1013 is replaced by glutamic acid, an amino acid with similar properties. This amino acid position is conserved. In addition, the in silico prediction for this alteration is inconclusive. Based on the available evidence, the clinical significance of this variant remains unclear.

NM_000135.4(FANCA):c.3038G>A (p.Gly1013Glu)

Gene: FANCA (FA complementation group A; minus strand). Cytogenetic location: 16q24.3.
Variant type: single nucleotide variant.
Coding change: c.3038G>A on transcript NM_000135.4 (MANE Select); coding-DNA position 3038, G replaced by A.
Protein change: p.Gly1013Glu; replaces glycine 1013 with glutamic acid.
Molecular consequence: missense variant.
Genome position (GRCh38, 1-based): chr16:89,752,166, C>T on the plus strand (G>A on the coding strand, the complement: FANCA is on the minus strand). VCF-style: chr16-89752166-C-T. GRCh37 (hg19) VCF-style: chr16-89818574-C-T.
Other names: c.3038G>A, p.Gly1013Glu (NM_001286167.3); short protein forms G1013E.
Identifiers: ClinVar variation 3512687 (VCV003512687.1).